The following is an entry in ClinVar:

ClinVar aggregate classification (germline): Pathogenic (1 of 4 stars; one submission).

Submission:

Labcorp Genetics (formerly Invitae), Labcorp
Classification: Pathogenic. Last evaluated: 2025-09-10. Review status: criteria provided, single submitter. Criteria: Invitae Variant Classification Sherloc (09022015). Collection method: clinical testing. Allele origin: germline.
Comment: This sequence change creates a premature translational stop signal (p.His1506Thrfs*17) in the DUOX2 gene. While this is not anticipated to result in nonsense mediated decay, it is expected to disrupt the last 43 amino acid(s) of the DUOX2 protein. This variant is present in population databases (rs772041683, gnomAD 0.02%). This variant has not been reported in the literature in individuals affected with DUOX2-related conditions. ClinVar contains an entry for this variant (Variation ID: 2884277). This variant disrupts a region of the DUOX2 protein in which other variant(s) (p.Gly1518Ser) have been determined to be pathogenic (PMID: 20187165, 31030636). This suggests that this is a clinically significant region of the protein, and that variants that disrupt it are likely to be disease-causing. For these reasons, this variant has been classified as Pathogenic.

Literature cited by the submitters: PubMed 20187165; PubMed 31030636.

NM_001363711.2(DUOX2):c.4516del (p.His1506fs)

Gene: DUOX2 (dual oxidase 2; minus strand). Cytogenetic location: 15q21.1.
Variant type: Deletion.
Coding change: c.4516del on transcript NM_001363711.2 (MANE Select); coding-DNA position 4516, one base deleted (C; older notation c.4516delC).
Protein change: p.His1506fs; shifts the reading frame from histidine 1506.
Molecular consequence: frameshift variant.
Genome position (GRCh38, 1-based): chr15:45,094,571, G deleted on the plus strand (C on the coding strand, the reverse complement: DUOX2 is on the minus strand); the first of 2 consecutive G bases (chr15:45,094,571-45,094,572); deleting either gives the same sequence. VCF-style (leftmost placement, unchanged base first): chr15-45094570-TG-T. GRCh37 (hg19) VCF-style: chr15-45386768-TG-T.
Other names: c.4516del, p.His1506fs (NM_014080.5); short protein forms H1506fs.
Identifiers: ClinVar variation 2884277 (VCV002884277.4), dbSNP rs772041683, ClinGen allele CA7537493.